The following is an entry in ClinVar:

NM_000558.3(HBA1):c.341T>A (p.Leu114His)

Genes: HBA1 (hemoglobin subunit alpha 1; plus strand), LOC106804613 (hemoglobin subunit alpha 1 recombination region; plus strand). Cytogenetic location: 16p13.3.
Variant type: single nucleotide variant.
Coding change: c.341T>A on transcript NM_000558.3; coding-DNA position 341, T replaced by A.
Protein change: p.Leu114His; replaces leucine 114 with histidine.
Molecular consequence: missense variant (on NM_000558.5).
Genome position (GRCh38, 1-based): chr16:177,323, T>A. VCF-style: chr16-177323-T-A. GRCh37 (hg19) VCF-style: chr16-227322-T-A.
Other names: L113H; c.341T>A, p.Leu114His (NM_000558.5); c.341T>A (NM_000558.4); short protein forms L114H.
Identifiers: ClinVar variation 15829 (VCV000015829.19), dbSNP rs35654345, ClinGen allele CA125915.

ClinVar aggregate classification (germline): Conflicting classifications of pathogenicity. Review status: criteria provided, conflicting classifications (1 of 4 stars). 4 submissions from 4 submitters: Uncertain significance (1); Likely benign (1). 2 of the submissions do not count toward it. Last evaluated 2024-08-28.

Conditions:
HBA1-related disorder. Also called: HBA1-related condition.
HEMOGLOBIN TWIN PEAKS.

Allele frequency attached by ClinVar (database versions not stated): ExAC 0.00001; gnomAD 0.00001; gnomAD exomes 0.00001 and 0.00002; TOPMed 0.00001.

Submissions (4):

ARUP Laboratories, Molecular Genetics and Genomics, ARUP Laboratories
Classification: Likely benign. Last evaluated: 2024-08-28. Review status: criteria provided, single submitter. Criteria: ARUP Molecular Germline Variant Investigation Process 2024. Collection method: clinical testing. Allele origin: germline.
Comment: The Hb Twin Peaks variant (HBA1: c.341T>A; p.Leu114His, also known as Leu113His when numbered from the mature protein; rs35654345, HbVarID: 175) is reported in the literature as a stable hemoglobin variant and is not associated with clinical symptoms in a heterozygous state (HbVar database and references therein). In vitro studies also demonstrate that this variant increases the solubility of Hb S when forming the globin tetramer, potentially acting as an inhibitor of polymerization (Sivaram 2001). This variant is reported in ClinVar (Variation ID: 15829). This variant is found in the Latino population with an allele frequency of 0.0146% (5/34326 alleles), in the Genome Aggregation Database. Computational analyses are uncertain whether this variant is neutral or deleterious (REVEL: 0.376). Based on available information, the Hb Twin Peaks variant is considered to be likely benign. References: Link to HbVar database: Sivaram M et al. A role for the alpha 113 (GH1) amino acid residue in the polymerization of sickle hemoglobin. Evaluation of its inhibitory strength and interaction linkage with two fiber contact sites (alpha 16/23) located in the AB region of the alpha-chain. J Biol Chem. 2001; 276(21):18209-15. PMID: 11259442.

Quest Diagnostics Nichols Institute San Juan Capistrano
Classification: Uncertain significance. Last evaluated: 2024-01-23. Review status: criteria provided, single submitter. Criteria: Quest Diagnostics criteria. Collection method: clinical testing. Allele origin: unknown.
Comment: The HBA1 c.341T>A (p.Leu114His) variant (also known as Hb Twin Peaks) has been reported to have normal stability, and individuals who are heterozygous for this variant have a normal clinical presentation (HbVar and PMID: 3839772 (1985)). This variant has been found to have anti-sickling effect when in association with HbS (PMID: 11259442 (2001)). Analysis of this variant using bioinformatics tools for the prediction of the effect of amino acid changes on protein structure and function yielded predictions that this variant is benign. Based on the available information, we are unable to determine the clinical significance of this variant.

PreventionGenetics, part of Exact Sciences
Classification: Uncertain significance for HBA1-related condition. Last evaluated: 2024-05-14. Review status: no assertion criteria provided. Collection method: clinical testing. Allele origin: germline. Not counted in ClinVar's aggregate classification.
Comment: The HBA1 c.341T>A variant is predicted to result in the amino acid substitution p.Leu114His. To our knowledge, this variant has not been reported in the literature in association with disease. This variant is reported in 0.015% of alleles in individuals of Latino descent in gnomAD. At this time, the clinical significance of this variant is uncertain due to the absence of conclusive functional and genetic evidence.

OMIM
Classification: other for HEMOGLOBIN TWIN PEAKS. Last evaluated: 2016-07-20. Review status: no assertion criteria provided. Collection method: literature only. Allele origin: germline. Not counted in ClinVar's aggregate classification.

Literature cited by the submitters: PubMed 31553106 (cited by Quest Diagnostics Nichols Institute San Juan Capistrano); PubMed 2752146 (cited by Quest Diagnostics Nichols Institute San Juan Capistrano and OMIM); PubMed 3839772 (cited by Quest Diagnostics Nichols Institute San Juan Capistrano and OMIM); PubMed 11259442 (cited by Quest Diagnostics Nichols Institute San Juan Capistrano).